The following is an entry in ClinVar:

NM_000557.5(GDF5):c.1312_1313insT (p.Arg438fs)

Genes: GDF5-AS1 (GDF5 antisense RNA 1; plus strand), GDF5 (growth differentiation factor 5; minus strand). Cytogenetic location: 20q11.22.
Variant type: Insertion.
Coding change: c.1312_1313insT on transcript NM_000557.5 (MANE Select); coding-DNA positions 1312 to 1313, T inserted.
Protein change: p.Arg438fs; shifts the reading frame from arginine 438.
Molecular consequence: frameshift variant. On other transcripts: non-coding transcript variant (1).
Genome position: GRCh38 VCF-style: chr20-35434102-C-CA. GRCh37 (hg19) VCF-style: chr20-34021900-C-CA.
Other names: c.1312_1313insT, p.Arg438fs (NM_001319138.2); short protein forms R438fs.
Identifiers: ClinVar variation 5016875 (VCV005016875.1).

ClinVar aggregate classification (germline): Likely pathogenic (1 of 4 stars; one submission).

Submission:

GeneDx
Classification: Likely pathogenic. Last evaluated: 2026-03-24. Review status: criteria provided, single submitter. Criteria: GeneDx Variant Classification Process June 2021. Collection method: clinical testing. Allele origin: germline.
Comment: Frameshift variant predicted to result in abnormal protein length as the last 64 amino acid(s) are replaced with 42 different amino acid(s), and other similar variants have been reported in HGMD; Not observed at significant frequency in large population cohorts (gnomAD); Has not been previously published as pathogenic or benign to our knowledge